The following is an entry in ClinVar:

NM_000400.4(ERCC2):c.1117A>G (p.Arg373Gly)

Gene: ERCC2 (ERCC excision repair 2, TFIIH core complex helicase subunit; minus strand). Cytogenetic location: 19q13.32.
Variant type: single nucleotide variant.
Coding change: c.1117A>G on transcript NM_000400.4 (MANE Select); coding-DNA position 1117, A replaced by G.
Protein change: p.Arg373Gly; replaces arginine 373 with glycine.
Molecular consequence: missense variant.
Genome position (GRCh38, 1-based): chr19:45,363,744, T>C on the plus strand (A>G on the coding strand, the complement: ERCC2 is on the minus strand). VCF-style: chr19-45363744-T-C. GRCh37 (hg19) VCF-style: chr19-45867002-T-C.
Other names: c.1045A>G, p.Arg349Gly (NM_001130867.2); short protein forms R373G, R349G.
Identifiers: ClinVar variation 2624811 (VCV002624811.2), dbSNP rs766208120, ClinGen allele CA406371929.

ClinVar aggregate classification (germline): Uncertain significance (1 of 4 stars; one submission).

Conditions:
Inborn genetic diseases. Identifiers: MedGen C0950123, MeSH D030342.

Submission:

Ambry Genetics
Classification: Uncertain significance for Inborn genetic diseases. Last evaluated: 2023-07-15. Review status: criteria provided, single submitter. Criteria: Ambry Variant Classification Scheme 2023. Collection method: clinical testing. Allele origin: germline.
Comment: The p.R373G variant (also known as c.1117A>G), located in coding exon 11 of the ERCC2 gene, results from an A to G substitution at nucleotide position 1117. The arginine at codon 373 is replaced by glycine, an amino acid with dissimilar properties. This amino acid position is conserved. In addition, this alteration is predicted to be deleterious by in silico analysis. Since supporting evidence is limited at this time, the clinical significance of this alteration remains unclear.